The following is an entry in ClinVar:

ClinVar aggregate classification (germline): Uncertain significance (1 of 4 stars; one submission).

Allele frequency attached by ClinVar (database versions not stated): gnomAD 0.00001; TOPMed 0.00001; ESP Exome Variant Server 0.00008.
gnomAD v4.1: 5 of 1,614,030 alleles (0.00031%); highest among the groups gnomAD compares: African/African-American, 0.004%; no homozygotes.

Submission:

Labcorp Genetics (formerly Invitae), Labcorp
Classification: Uncertain significance. Last evaluated: 2025-09-09. Review status: criteria provided, single submitter. Criteria: Invitae Variant Classification Sherloc (09022015). Collection method: clinical testing. Allele origin: germline.
Comment: This sequence change replaces arginine, which is basic and polar, with tryptophan, which is neutral and slightly polar, at codon 325 of the TFRC protein (p.Arg325Trp). This variant is present in population databases (rs137978255, gnomAD 0.0009%). This variant has not been reported in the literature in individuals affected with TFRC-related conditions. ClinVar contains an entry for this variant (Variation ID: 2971036). Invitae Evidence Modeling of protein sequence and biophysical properties (such as structural, functional, and spatial information, amino acid conservation, physicochemical variation, residue mobility, and thermodynamic stability) indicates that this missense variant is not expected to disrupt TFRC protein function with a negative predictive value of 80%. In summary, the available evidence is currently insufficient to determine the role of this variant in disease. Therefore, it has been classified as a Variant of Uncertain Significance.

NM_001128148.3(TFRC):c.973C>T (p.Arg325Trp)

Gene: TFRC (transferrin receptor; minus strand). Cytogenetic location: 3q29.
Variant type: single nucleotide variant.
Coding change: c.973C>T on transcript NM_001128148.3 (MANE Select); coding-DNA position 973, C replaced by T.
Protein change: p.Arg325Trp; replaces arginine 325 with tryptophan.
Molecular consequence: missense variant.
Genome position (GRCh38, 1-based): chr3:196,067,585, G>A on the plus strand (C>T on the coding strand, the complement: TFRC is on the minus strand). VCF-style: chr3-196067585-G-A. GRCh37 (hg19) VCF-style: chr3-195794456-G-A.
Other names: c.730C>T, p.Arg244Trp (NM_001313965.2); c.127C>T, p.Arg43Trp (NM_001313966.2); c.973C>T, p.Arg325Trp (NM_003234.4); short protein forms R43W, R244W, R325W.
Identifiers: ClinVar variation 2971036 (VCV002971036.3), dbSNP rs137978255, ClinGen allele CA90753973.